The following is an entry in ClinVar:

ClinVar aggregate classification (germline): Uncertain significance. Review status: criteria provided, multiple submitters, no conflicts (2 of 4 stars). 4 submissions from 4 submitters: Uncertain significance (4). Last evaluated 2025-11-22.

Allele frequency attached by ClinVar (database versions not stated): gnomAD 0.00014 and 0.00016; 1000 Genomes Project 0.00020; gnomAD exomes 0.00007 and 0.00003; ESP Exome Variant Server 0.00008; ExAC 0.00007; 1000 Genomes Project 30x 0.00016; TOPMed 0.00028.

Submissions (4):

Labcorp Genetics (formerly Invitae), Labcorp
Classification: Uncertain significance. Last evaluated: 2025-11-22. Review status: criteria provided, single submitter. Criteria: Invitae Variant Classification Sherloc (09022015). Collection method: clinical testing. Allele origin: germline.
Comment: This sequence change replaces proline, which is neutral and non-polar, with serine, which is neutral and polar, at codon 502 of the ZNF513 protein (p.Pro502Ser). This variant is present in population databases (rs146942939, gnomAD 0.02%). This variant has not been reported in the literature in individuals affected with ZNF513-related conditions. ClinVar contains an entry for this variant (Variation ID: 862924). An algorithm developed to predict the effect of missense changes on protein structure and function outputs the following: PolyPhen-2: "Possibly Damaging". The serine amino acid residue is found in multiple mammalian species, which suggests that this missense change does not adversely affect protein function. In summary, the available evidence is currently insufficient to determine the role of this variant in disease. Therefore, it has been classified as a Variant of Uncertain Significance.

Ambry Genetics
Classification: Uncertain significance. Last evaluated: 2025-03-20. Review status: criteria provided, single submitter. Criteria: Ambry Variant Classification Scheme 2023. Collection method: clinical testing. Allele origin: germline.

Blueprint Genetics
Classification: Uncertain significance. Last evaluated: 2024-04-12. Review status: criteria provided, single submitter. Criteria: ACMG Guidelines, 2015. Collection method: clinical testing. Allele origin: germline.

Breakthrough Genomics
Classification: Uncertain significance. Review status: criteria provided, single submitter. Criteria: ACMG Guidelines, 2015. Collection method: not provided. Allele origin: germline. Inheritance: Autosomal recessive inheritance. Affected: yes.

NM_144631.6(ZNF513):c.1504C>T (p.Pro502Ser)

Gene: ZNF513 (zinc finger protein 513; minus strand). Cytogenetic location: 2p23.3.
Variant type: single nucleotide variant.
Coding change: c.1504C>T on transcript NM_144631.6 (MANE Select); coding-DNA position 1504, C replaced by T.
Protein change: p.Pro502Ser; replaces proline 502 with serine.
Molecular consequence: missense variant.
Genome position (GRCh38, 1-based): chr2:27,377,667, G>A on the plus strand (C>T on the coding strand, the complement: ZNF513 is on the minus strand). VCF-style: chr2-27377667-G-A. GRCh37 (hg19) VCF-style: chr2-27600534-G-A.
Other names: c.1318C>T, p.Pro440Ser (NM_001201459.2); short protein forms P502S, P440S.
Identifiers: ClinVar variation 862924 (VCV000862924.12), dbSNP rs146942939, ClinGen allele CA1577789.